The following is an entry in ClinVar:

ClinVar aggregate classification (germline): Benign. Review status: criteria provided, multiple submitters, no conflicts (2 of 4 stars). 3 submissions from 3 submitters: Benign (2). 1 of the submissions does not count toward it. Last evaluated 2021-05-04.

Conditions:
PDXK-related disorder. Also called: PDXK-related condition.

Allele frequency attached by ClinVar (database versions not stated): 1000 Genomes Project 0.11841; 1000 Genomes Project 30x 0.11993; gnomAD exomes 0.16929; ExAC 0.17101; TOPMed 0.17880; gnomAD 0.18485 and 0.18902; ESP Exome Variant Server 0.19245.
gnomAD v4.1: 330,352 of 1,608,092 alleles (21%); highest among the groups gnomAD compares: Non-Finnish European, 23%; 36,778 homozygotes.

Submissions (17):

GeneDx
Classification: Benign. Last evaluated: 2021-05-04. Review status: criteria provided, single submitter. Criteria: GeneDx Variant Classification Process June 2021. Collection method: clinical testing. Allele origin: germline. Affected: yes.

Breakthrough Genomics
Classification: Benign. Review status: criteria provided, single submitter. Criteria: ACMG Guidelines, 2015. Collection method: not provided. Allele origin: germline. Inheritance: Autosomal recessive inheritance. Affected: yes.

PreventionGenetics, part of Exact Sciences
Classification: Benign for PDXK-related condition. Last evaluated: 2024-05-05. Review status: no assertion criteria provided. Collection method: clinical testing. Allele origin: germline. Not counted in ClinVar's aggregate classification.
Comment: This variant is classified as benign based on ACMG/AMP sequence variant interpretation guidelines (Richards et al. 2015 PMID: 25741868, with internal and published modifications).

Dr. Peter K. Rogan Lab, Western University
No classification provided (evidence only). Condition: Familial cancer of breast. Review status: no classification provided. Collection method: in vitro. Allele origin: not applicable. Functional consequence: retained intron. Not counted in ClinVar's aggregate classification.

Dr. Peter K. Rogan Lab, Western University
No classification provided (evidence only). Condition: Malignant lymphoma, large B-cell, diffuse. Review status: no classification provided. Collection method: in vitro. Allele origin: not applicable. Functional consequence: retained intron. Not counted in ClinVar's aggregate classification.

Dr. Peter K. Rogan Lab, Western University
No classification provided (evidence only). Condition: Hepatocellular carcinoma. Review status: no classification provided. Collection method: in vitro. Allele origin: not applicable. Functional consequence: retained intron. Not counted in ClinVar's aggregate classification.

Dr. Peter K. Rogan Lab, Western University
No classification provided (evidence only). Condition: Uterine carcinosarcoma. Review status: no classification provided. Collection method: in vitro. Allele origin: not applicable. Functional consequence: retained intron. Not counted in ClinVar's aggregate classification.

Dr. Peter K. Rogan Lab, Western University
No classification provided (evidence only). Condition: Uterine carcinosarcoma. Review status: no classification provided. Collection method: in vitro. Allele origin: not applicable. Functional consequence: retained intron. Not counted in ClinVar's aggregate classification.

Dr. Peter K. Rogan Lab, Western University
No classification provided (evidence only). Condition: Uterine carcinosarcoma. Review status: no classification provided. Collection method: in vitro. Allele origin: not applicable. Functional consequence: retained intron. Not counted in ClinVar's aggregate classification.

Dr. Peter K. Rogan Lab, Western University
No classification provided (evidence only). Condition: Uterine carcinosarcoma. Review status: no classification provided. Collection method: in vitro. Allele origin: not applicable. Functional consequence: retained intron. Not counted in ClinVar's aggregate classification.

Dr. Peter K. Rogan Lab, Western University
No classification provided (evidence only). Condition: Uterine carcinosarcoma. Review status: no classification provided. Collection method: in vitro. Allele origin: not applicable. Functional consequence: retained intron. Not counted in ClinVar's aggregate classification.

Dr. Peter K. Rogan Lab, Western University
No classification provided (evidence only). Condition: Uterine carcinosarcoma. Review status: no classification provided. Collection method: in vitro. Allele origin: not applicable. Functional consequence: retained intron. Not counted in ClinVar's aggregate classification.

Dr. Peter K. Rogan Lab, Western University
No classification provided (evidence only). Condition: Uterine carcinosarcoma. Review status: no classification provided. Collection method: in vitro. Allele origin: not applicable. Functional consequence: retained intron. Not counted in ClinVar's aggregate classification.

Dr. Peter K. Rogan Lab, Western University
No classification provided (evidence only). Condition: Uterine carcinosarcoma. Review status: no classification provided. Collection method: in vitro. Allele origin: not applicable. Functional consequence: retained intron. Not counted in ClinVar's aggregate classification.

Dr. Peter K. Rogan Lab, Western University
No classification provided (evidence only). Condition: Uterine carcinosarcoma. Review status: no classification provided. Collection method: in vitro. Allele origin: not applicable. Functional consequence: retained intron. Not counted in ClinVar's aggregate classification.

Dr. Peter K. Rogan Lab, Western University
No classification provided (evidence only). Condition: Uterine carcinosarcoma. Review status: no classification provided. Collection method: in vitro. Allele origin: not applicable. Functional consequence: retained intron. Not counted in ClinVar's aggregate classification.

Dr. Peter K. Rogan Lab, Western University
No classification provided (evidence only). Condition: Uterine carcinosarcoma. Review status: no classification provided. Collection method: in vitro. Allele origin: not applicable. Functional consequence: retained intron. Not counted in ClinVar's aggregate classification.

NM_003681.5(PDXK):c.760-8C>A

Gene: PDXK (pyridoxal kinase; plus strand). Cytogenetic location: 21q22.3.
Variant type: single nucleotide variant.
Coding change: c.760-8C>A on transcript NM_003681.5 (MANE Select); 8 bases into the intron before coding-DNA position 760, C replaced by A.
Molecular consequence: intron variant.
Genome position (GRCh38, 1-based): chr21:43,755,690, C>A. VCF-style: chr21-43755690-C-A. GRCh37 (hg19) VCF-style: chr21-45175571-C-A.
Other names: NC_000021.8:g.45175571C>A; c.640-8C>A (NM_001331030.2); c.760-8C>A (NM_003681.4).
Identifiers: ClinVar variation 1241161 (VCV001241161.6), dbSNP rs8128639, ClinGen allele CA10048749.